The following is an entry in ClinVar:

ClinVar aggregate classification (germline): Uncertain significance (1 of 4 stars; one submission).

Allele frequency attached by ClinVar (database versions not stated): gnomAD exomes below 0.00001; TOPMed below 0.00001.
gnomAD v4.1: 1 of 1,017,566 alleles (0.000098%); highest among the groups gnomAD compares: Non-Finnish European, 0.00012%; no homozygotes.

Submission:

Labcorp Genetics (formerly Invitae), Labcorp
Classification: Uncertain significance. Last evaluated: 2024-01-15. Review status: criteria provided, single submitter. Criteria: Invitae Variant Classification Sherloc (09022015). Collection method: clinical testing. Allele origin: germline.
Comment: This sequence change replaces glycine, which is neutral and non-polar, with arginine, which is basic and polar, at codon 37 of the BPTF protein (p.Gly37Arg). This variant is not present in population databases (gnomAD no frequency). This variant has not been reported in the literature in individuals affected with BPTF-related conditions. Experimental studies and prediction algorithms are not available or were not evaluated, and the functional significance of this variant is currently unknown. In summary, the available evidence is currently insufficient to determine the role of this variant in disease. Therefore, it has been classified as a Variant of Uncertain Significance.

NM_182641.4(BPTF):c.109G>C (p.Gly37Arg)

Gene: BPTF (bromodomain PHD finger transcription factor; plus strand). Cytogenetic location: 17q24.2.
Variant type: single nucleotide variant.
Coding change: c.109G>C on transcript NM_182641.4 (MANE Select); coding-DNA position 109, G replaced by C.
Protein change: p.Gly37Arg; replaces glycine 37 with arginine.
Molecular consequence: missense variant.
Genome position (GRCh38, 1-based): chr17:67,825,833, G>C. VCF-style: chr17-67825833-G-C. GRCh37 (hg19) VCF-style: chr17-65821949-G-C.
Other names: c.109G>C, p.Gly37Arg (NM_004459.7); short protein forms G37R.
Identifiers: ClinVar variation 2881661 (VCV002881661.3), dbSNP rs2055940966, ClinGen allele CA400715189.